The following is an entry in ClinVar:

NM_006030.4(CACNA2D2):c.870A>T (p.Lys290Asn)

Gene: CACNA2D2 (calcium voltage-gated channel auxiliary subunit alpha2delta 2; minus strand). Cytogenetic location: 3p21.31.
Variant type: single nucleotide variant.
Coding change: c.870A>T on transcript NM_006030.4 (MANE Select); coding-DNA position 870, A replaced by T.
Protein change: p.Lys290Asn; replaces lysine 290 with asparagine.
Molecular consequence: missense variant.
Genome position (GRCh38, 1-based): chr3:50,379,991, T>A on the plus strand (A>T on the coding strand, the complement: CACNA2D2 is on the minus strand). VCF-style: chr3-50379991-T-A. GRCh37 (hg19) VCF-style: chr3-50417422-T-A.
Other names: c.870A>T, p.Lys290Asn (NM_001005505.3, NM_001174051.3); c.663A>T, p.Lys221Asn (NM_001291101.1); short protein forms K290N, K221N.
Identifiers: ClinVar variation 1510304 (VCV001510304.7), dbSNP rs2106664203, ClinGen allele CA352938656.

ClinVar aggregate classification (germline): Uncertain significance (1 of 4 stars; one submission).

Conditions:
Early-infantile DEE. Also called: Early infantile epileptic encephalopathy; Early infantile epileptic encephalopathy with suppression bursts; Ohtahara syndrome. Identifiers: Orphanet 1934, MedGen C0393706, MONDO:0800491.

Submission:

Labcorp Genetics (formerly Invitae), Labcorp
Classification: Uncertain significance for Early-infantile DEE. Last evaluated: 2022-02-04. Review status: criteria provided, single submitter. Criteria: Invitae Variant Classification Sherloc (09022015). Collection method: clinical testing. Allele origin: germline.
Comment: In summary, the available evidence is currently insufficient to determine the role of this variant in disease. Therefore, it has been classified as a Variant of Uncertain Significance. Algorithms developed to predict the effect of missense changes on protein structure and function are either unavailable or do not agree on the potential impact of this missense change (SIFT: "Tolerated"; PolyPhen-2: "Probably Damaging"; Align-GVGD: "Class C0"). This variant has not been reported in the literature in individuals affected with CACNA2D2-related conditions. This variant is not present in population databases (gnomAD no frequency). This sequence change replaces lysine, which is basic and polar, with asparagine, which is neutral and polar, at codon 290 of the CACNA2D2 protein (p.Lys290Asn).